The following is an entry in ClinVar:

NM_018979.4(WNK1):c.4412C>T (p.Pro1471Leu)

Gene: WNK1 (WNK lysine deficient protein kinase 1; plus strand). Cytogenetic location: 12p13.33.
Variant type: single nucleotide variant.
Coding change: c.4412C>T on transcript NM_018979.4 (MANE Select); coding-DNA position 4412, C replaced by T.
Protein change: p.Pro1471Leu; replaces proline 1471 with leucine.
Molecular consequence: missense variant.
Genome position (GRCh38, 1-based): chr12:885,216, C>T. VCF-style: chr12-885216-C-T. GRCh37 (hg19) VCF-style: chr12-994382-C-T.
Other names: c.5192C>T, p.Pro1731Leu (NM_001184985.2); c.3671C>T, p.Pro1224Leu (NM_014823.3); c.5168C>T, p.Pro1723Leu (NM_213655.5); short protein forms P1224L, P1723L, P1471L, P1731L.
Identifiers: ClinVar variation 1466917 (VCV001466917.8), dbSNP rs902748213, ClinGen allele CA231479207.

ClinVar aggregate classification (germline): Uncertain significance (1 of 4 stars; one submission).

Conditions:
Neuropathy, hereditary sensory and autonomic, type 2A (HSAN2A). Also called: ACROOSTEOLYSIS, GIACCAI TYPE; ACROOSTEOLYSIS, NEUROGENIC; MORVAN DISEASE; NEUROPATHY, CONGENITAL SENSORY; NEUROPATHY, HEREDITARY SENSORY RADICULAR, AUTOSOMAL RECESSIVE; NEUROPATHY, HEREDITARY SENSORY, TYPE IIA. Identifiers: Orphanet 970, MedGen C2752089, MONDO:0024309, OMIM 201300.
Pseudohypoaldosteronism type 2C (PHA2C). Also called: Pseudohypoaldosteronism Type IIC. Identifiers: Orphanet 757, Orphanet 88940, MedGen C1840391, MONDO:0013778, OMIM 614492.

Allele frequency attached by ClinVar (database versions not stated): gnomAD 0.00001; TOPMed 0.00002; gnomAD exomes below 0.00001.
gnomAD v4.1: 2 of 1,614,088 alleles (0.00012%); highest among the groups gnomAD compares: African/African-American, 0.0027%; no homozygotes.

Submission:

Labcorp Genetics (formerly Invitae), Labcorp
Classification: Uncertain significance for Neuropathy, hereditary sensory and autonomic, type 2A; Pseudohypoaldosteronism type 2C. Last evaluated: 2021-06-30. Review status: criteria provided, single submitter. Criteria: Invitae Variant Classification Sherloc (09022015). Collection method: clinical testing. Allele origin: germline.
Comment: This sequence change replaces proline with leucine at codon 1723 of the WNK1 protein (p.Pro1723Leu). The proline residue is moderately conserved and there is a moderate physicochemical difference between proline and leucine. This variant is not present in population databases (ExAC no frequency). This variant has not been reported in the literature in individuals affected with WNK1-related conditions. Advanced modeling of protein sequence and biophysical properties (such as structural, functional, and spatial information, amino acid conservation, physicochemical variation, residue mobility, and thermodynamic stability) performed at Invitae indicates that this missense variant is not expected to disrupt WNK1 protein function. In summary, the available evidence is currently insufficient to determine the role of this variant in disease. Therefore, it has been classified as a Variant of Uncertain Significance.